The following is an entry in ClinVar:

ClinVar aggregate classification (germline): Uncertain significance. Review status: criteria provided, multiple submitters, no conflicts (2 of 4 stars). 2 submissions from 2 submitters: Uncertain significance (2). Last evaluated 2025-07-31.

Conditions:
Hereditary cancer-predisposing syndrome. Also called: Hereditary neoplastic syndrome; Neoplastic Syndromes, Hereditary; Tumor predisposition; Hereditary Cancer Syndrome. Identifiers: Orphanet 140162, MedGen C0027672, MeSH D009386, MONDO:0015356.
Microcephaly, normal intelligence and immunodeficiency (NBS). Also called: IMMUNODEFICIENCY, MICROCEPHALY, AND CHROMOSOMAL INSTABILITY; SEEMANOVA SYNDROME II; Nijmegen breakage syndrome; Microcephaly with normal intelligence immunodeficiency and lymphoreticular malignancies; Nonsyndromal microcephaly autosomal recessive with normal intelligence; Seemanova syndrome 2. Identifiers: Orphanet 647, MedGen C0398791, MONDO:0009623, OMIM 251260.

Allele frequency attached by ClinVar (database versions not stated): gnomAD exomes below 0.00001; ExAC 0.00001.

Submissions (2):

Labcorp Genetics (formerly Invitae), Labcorp
Classification: Uncertain significance for Microcephaly, normal intelligence and immunodeficiency. Last evaluated: 2025-07-31. Review status: criteria provided, single submitter. Criteria: Invitae Variant Classification Sherloc (09022015). Collection method: clinical testing. Allele origin: germline.
Comment: This sequence change replaces glutamine, which is neutral and polar, with arginine, which is basic and polar, at codon 492 of the NBN protein (p.Gln492Arg). This variant is present in population databases (rs768883132, gnomAD 0.006%). This variant has not been reported in the literature in individuals affected with NBN-related conditions. ClinVar contains an entry for this variant (Variation ID: 481840). An algorithm developed to predict the effect of missense changes on protein structure and function (PolyPhen-2) suggests that this variant is likely to be tolerated. In summary, the available evidence is currently insufficient to determine the role of this variant in disease. Therefore, it has been classified as a Variant of Uncertain Significance.

Ambry Genetics
Classification: Uncertain significance for Hereditary cancer-predisposing syndrome. Last evaluated: 2022-09-04. Review status: criteria provided, single submitter. Criteria: Ambry Variant Classification Scheme 2023. Collection method: clinical testing. Allele origin: germline.
Comment: The p.Q492R variant (also known as c.1475A>G), located in coding exon 11 of the NBN gene, results from an A to G substitution at nucleotide position 1475. The glutamine at codon 492 is replaced by arginine, an amino acid with highly similar properties. This amino acid position is highly conserved in available vertebrate species. In addition, this alteration is predicted to be tolerated by in silico analysis. Since supporting evidence is limited at this time, the clinical significance of this alteration remains unclear.

NM_002485.5(NBN):c.1475A>G (p.Gln492Arg)

Gene: NBN (nibrin; minus strand). Cytogenetic location: 8q21.3.
Variant type: single nucleotide variant.
Coding change: c.1475A>G on transcript NM_002485.5 (MANE Select); coding-DNA position 1475, A replaced by G.
Protein change: p.Gln492Arg; replaces glutamine 492 with arginine.
Molecular consequence: missense variant.
Genome position (GRCh38, 1-based): chr8:89,953,614, T>C on the plus strand (A>G on the coding strand, the complement: NBN is on the minus strand). VCF-style: chr8-89953614-T-C. GRCh37 (hg19) VCF-style: chr8-90965842-T-C.
Other names: c.1229A>G, p.Gln410Arg (NM_001024688.3); short protein forms Q492R, Q410R.
Identifiers: ClinVar variation 481840 (VCV000481840.13), dbSNP rs768883132, ClinGen allele CA4802714.